The following is an entry in ClinVar:

NM_030665.4(RAI1):c.42A>G (p.Gln14=)

Gene: RAI1 (retinoic acid induced 1; plus strand). Cytogenetic location: 17p11.2.
Variant type: single nucleotide variant.
Coding change: c.42A>G on transcript NM_030665.4 (MANE Select); coding-DNA position 42, A replaced by G.
Protein change: p.Gln14=; no amino-acid change (glutamine 14 retained).
Molecular consequence: synonymous variant.
Genome position (GRCh38, 1-based): chr17:17,792,990, A>G. VCF-style: chr17-17792990-A-G. GRCh37 (hg19) VCF-style: chr17-17696304-A-G.
Identifiers: ClinVar variation 3344972 (VCV003344972.1).
Genomic context (GRCh38, chr17:17,792,990, plus strand): 5'-CAGATAACCAGCCCGAGTCATGCAGTCTTTTCGAGAAAGGTGTGGTTTCCATGGCAAACA[A>G]CAGAACTACCAGCAGACCTCGCAGGAAACATCACGCCTAGAGAATTACAGGCAGCCGAGT-3'
Protein context (NP_109590.3, residues 4-24): FRERCGFHGK[Gln14=]QNYQQTSQET

ClinVar aggregate classification (germline): Likely benign (0 of 4 stars; one submission).

Conditions:
RAI1-related disorder. Also called: RAI1-related condition.

gnomAD v4.1: 7 of 1,614,032 alleles (0.00043%); highest among the groups gnomAD compares: Non-Finnish European, 0.00059%; no homozygotes.

Submission:

PreventionGenetics, part of Exact Sciences
Classification: Likely benign for RAI1-related condition. Last evaluated: 2024-07-08. Review status: no assertion criteria provided. Collection method: clinical testing. Allele origin: germline.
Comment: This variant is classified as likely benign based on ACMG/AMP sequence variant interpretation guidelines (Richards et al. 2015 PMID: 25741868, with internal and published modifications).